The following is an entry in ClinVar:

NM_015978.3(TNNI3K):c.2159A>G (p.Glu720Gly)

Genes: FPGT-TNNI3K (FPGT-TNNI3K readthrough; plus strand), LRRC53 (leucine rich repeat containing 53; minus strand), TNNI3K (TNNI3 interacting kinase; plus strand). Cytogenetic location: 1p31.1.
Variant type: single nucleotide variant.
Coding change: c.2159A>G on transcript NM_015978.3 (MANE Select); coding-DNA position 2159, A replaced by G.
Protein change: p.Glu720Gly; replaces glutamic acid 720 with glycine.
Molecular consequence: missense variant. On other transcripts: intron variant (2).
Genome position (GRCh38, 1-based): chr1:74,489,226, A>G. VCF-style: chr1-74489226-A-G. GRCh37 (hg19) VCF-style: chr1-74954910-A-G.
Other names: c.2462A>G, p.Glu821Gly (NM_001112808.3); c.-8-8258T>C (NM_001364666.2); c.-26-5851T>C (NM_001382280.1); c.2159A>G (NM_015978.2); short protein forms E720G, E821G.
Identifiers: ClinVar variation 1483704 (VCV001483704.9), dbSNP rs537212164, ClinGen allele CA909796.

ClinVar aggregate classification (germline): Uncertain significance. Review status: criteria provided, multiple submitters, no conflicts (2 of 4 stars). 2 submissions from 2 submitters: Uncertain significance (2). Last evaluated 2026-01-24.

Allele frequency attached by ClinVar (database versions not stated): gnomAD exomes 0.00001 and 0.00006; TOPMed 0.00001; gnomAD 0.00003; ExAC 0.00005; 1000 Genomes Project 30x 0.00016; 1000 Genomes Project 0.00020.
gnomAD v4.1: 21 of 1,612,302 alleles (0.0013%); highest among the groups gnomAD compares: East Asian, 0.042%; no homozygotes.

Submissions (2):

Labcorp Genetics (formerly Invitae), Labcorp
Classification: Uncertain significance. Last evaluated: 2026-01-24. Review status: criteria provided, single submitter. Criteria: Invitae Variant Classification Sherloc (09022015). Collection method: clinical testing. Allele origin: germline.
Comment: This sequence change replaces glutamic acid, which is acidic and polar, with glycine, which is neutral and non-polar, at codon 720 of the TNNI3K protein (p.Glu720Gly). This variant is present in population databases (rs537212164, gnomAD 0.07%), and has an allele count higher than expected for a pathogenic variant. This variant has not been reported in the literature in individuals affected with TNNI3K-related conditions. ClinVar contains an entry for this variant (Variation ID: 1483704). An algorithm developed to predict the effect of missense changes on protein structure and function (PolyPhen-2) suggests that this variant is likely to be tolerated. In summary, the available evidence is currently insufficient to determine the role of this variant in disease. Therefore, it has been classified as a Variant of Uncertain Significance.

GeneDx
Classification: Uncertain significance. Last evaluated: 2024-04-07. Review status: criteria provided, single submitter. Criteria: GeneDx Variant Classification Process June 2021. Collection method: clinical testing. Allele origin: germline. Affected: yes.
Comment: Has not been previously published as pathogenic or benign to our knowledge; In silico analysis supports that this missense variant has a deleterious effect on protein structure/function